The following is an entry in ClinVar:

NM_198721.4(COL25A1):c.920C>G (p.Ser307Ter)

Gene: COL25A1 (collagen type XXV alpha 1 chain; minus strand). Cytogenetic location: 4q25.
Variant type: single nucleotide variant.
Coding change: c.920C>G on transcript NM_198721.4 (MANE Select); coding-DNA position 920, C replaced by G.
Protein change: p.Ser307Ter; replaces serine 307 with a stop codon.
Molecular consequence: nonsense. On other transcripts: non-coding transcript variant (1).
Genome position (GRCh38, 1-based): chr4:108,889,720, G>C on the plus strand (C>G on the coding strand, the complement: COL25A1 is on the minus strand). VCF-style: chr4-108889720-G-C. GRCh37 (hg19) VCF-style: chr4-109810876-G-C.
Other names: c.908C>G, p.Ser303Ter (NM_001256074.3); c.920C>G, p.Ser307Ter (NM_032518.4); short protein forms S307*, S303*.
Identifiers: ClinVar variation 2067909 (VCV002067909.1), dbSNP rs2477132619, ClinGen allele CA357978732.
Genomic context (GRCh38, chr4:108,889,720, plus strand): 5'-TGTAACTCCTGGAGTACAAATACTTGCAAGGTTATAGTTACCTTAATTCCTGCAGCAGAT[G>C]ATCCAGGGTCACCCTAAAACGAAACCCAGGAGAGATTATCTCACAAGTTATGGGAATAGG-3'

ClinVar aggregate classification (germline): Pathogenic (1 of 4 stars; one submission).

Submission:

Labcorp Genetics (formerly Invitae), Labcorp
Classification: Pathogenic. Last evaluated: 2022-06-28. Review status: criteria provided, single submitter. Criteria: Invitae Variant Classification Sherloc (09022015). Collection method: clinical testing. Allele origin: germline.
Comment: This sequence change creates a premature translational stop signal (p.Ser307*) in the COL25A1 gene. It is expected to result in an absent or disrupted protein product. Loss-of-function variants in COL25A1 are known to be pathogenic (PMID: 25500261, 35077597). This variant is not present in population databases (gnomAD no frequency). This variant has not been reported in the literature in individuals affected with COL25A1-related conditions. For these reasons, this variant has been classified as Pathogenic.

Literature cited by the submitters: PubMed 25500261; PubMed 35077597.